The following is an entry in ClinVar:

NM_033026.6(PCLO):c.15289A>G (p.Ile5097Val)

Gene: PCLO (piccolo presynaptic cytomatrix protein; minus strand). Cytogenetic location: 7q21.11.
Variant type: single nucleotide variant.
Coding change: c.15289A>G on transcript NM_033026.6 (MANE Select); coding-DNA position 15289, A replaced by G.
Protein change: p.Ile5097Val; replaces isoleucine 5097 with valine.
Molecular consequence: missense variant.
Genome position (GRCh38, 1-based): chr7:82,758,715, T>C on the plus strand (A>G on the coding strand, the complement: PCLO is on the minus strand). VCF-style: chr7-82758715-T-C. GRCh37 (hg19) VCF-style: chr7-82388031-T-C.
Other names: short protein forms I5097V.
Identifiers: ClinVar variation 1489740 (VCV001489740.6), dbSNP rs1170469639, ClinGen allele CA368019505.

ClinVar aggregate classification (germline): Uncertain significance (1 of 4 stars; one submission).

Allele frequency attached by ClinVar (database versions not stated): gnomAD exomes below 0.00001 and 0.00001; TOPMed below 0.00001.
gnomAD v4.1: 14 of 1,579,184 alleles (0.00089%); highest among the groups gnomAD compares: African/African-American, 0.0014%; no homozygotes.

Submission:

Labcorp Genetics (formerly Invitae), Labcorp
Classification: Uncertain significance. Last evaluated: 2021-08-22. Review status: criteria provided, single submitter. Criteria: Invitae Variant Classification Sherloc (09022015). Collection method: clinical testing. Allele origin: germline.
Comment: This variant has not been reported in the literature in individuals affected with PCLO-related conditions. In summary, the available evidence is currently insufficient to determine the role of this variant in disease. Therefore, it has been classified as a Variant of Uncertain Significance. Algorithms developed to predict the effect of missense changes on protein structure and function output the following: SIFT: "Tolerated"; PolyPhen-2: "Not Available"; Align-GVGD: "Class C0". The valine amino acid residue is found in multiple mammalian species, which suggests that this missense change does not adversely affect protein function. This variant is not present in population databases (ExAC no frequency). This sequence change replaces isoleucine with valine at codon 5097 of the PCLO protein (p.Ile5097Val). The isoleucine residue is weakly conserved and there is a small physicochemical difference between isoleucine and valine.